The following is an entry in ClinVar:

ClinVar aggregate classification (germline): Uncertain significance. Review status: criteria provided, multiple submitters, no conflicts (2 of 4 stars). 2 submissions from 2 submitters: Uncertain significance (2). Last evaluated 2023-02-14.

Conditions:
Hereditary cancer-predisposing syndrome. Also called: Tumor predisposition; Hereditary Cancer Syndrome; Neoplastic Syndromes, Hereditary; Hereditary neoplastic syndrome. Identifiers: Orphanet 140162, MedGen C0027672, MeSH D009386, MONDO:0015356.
Fanconi anemia complementation group O. Also called: RAD51C-Related Fanconi Anemia. Identifiers: Orphanet 84, MedGen C3150653, MONDO:0013248, OMIM 613390.

Allele frequency attached by ClinVar (database versions not stated): gnomAD exomes below 0.00001.

Submissions (2):

Ambry Genetics
Classification: Uncertain significance for Hereditary cancer-predisposing syndrome. Last evaluated: 2023-02-14. Review status: criteria provided, single submitter. Criteria: Ambry Variant Classification Scheme 2023. Collection method: clinical testing. Allele origin: germline.
Comment: The c.-3G>A variant is located in the 5' untranslated region (5&rsquo; UTR) of the RAD51C gene. This variant results from a G to A substitution 3 bases upstream from the first translated codon. This nucleotide position is well conserved in available vertebrate species. Since supporting evidence is limited at this time, the clinical significance of this alteration remains unclear.

Labcorp Genetics (formerly Invitae), Labcorp
Classification: Uncertain significance for Fanconi anemia complementation group O. Last evaluated: 2015-07-18. Review status: criteria provided, single submitter. Criteria: Invitae Variant Classification Sherloc (09022015). Collection method: clinical testing. Allele origin: germline.

NM_058216.3(RAD51C):c.-3G>A

Gene: RAD51C (RAD51 paralog C; plus strand). Cytogenetic location: 17q22.
Variant type: single nucleotide variant.
Coding change: c.-3G>A on transcript NM_058216.3 (MANE Select); 3 bases upstream of the start codon, G replaced by A.
Molecular consequence: 5 prime UTR variant. On other transcripts: non-coding transcript variant (2).
Genome position (GRCh38, 1-based): chr17:58,692,641, G>A. VCF-style: chr17-58692641-G-A. GRCh37 (hg19) VCF-style: chr17-56770002-G-A.
Other names: c.-3G>A (NM_002876.4).
Identifiers: ClinVar variation 219548 (VCV000219548.5), dbSNP rs864622151, ClinGen allele CA349014.